The following is an entry in ClinVar:

ClinVar aggregate classification (germline): Uncertain significance (1 of 4 stars; one submission).

Conditions:
Hereditary spastic paraplegia 63. Also called: Spastic paraplegia 63, autosomal recessive. Identifiers: Orphanet 401805, MedGen C3810295, MONDO:0014305, OMIM 615686.
Pontocerebellar hypoplasia type 9. Identifiers: Orphanet 369920, MedGen C4014354, MONDO:0014351, OMIM 615809.

Submission:

Labcorp Genetics (formerly Invitae), Labcorp
Classification: Uncertain significance for Pontocerebellar hypoplasia type 9; Hereditary spastic paraplegia 63. Last evaluated: 2022-09-27. Review status: criteria provided, single submitter. Criteria: Invitae Variant Classification Sherloc (09022015). Collection method: clinical testing. Allele origin: germline.
Comment: This sequence change replaces glutamine, which is neutral and polar, with glutamic acid, which is acidic and polar, at codon 727 of the AMPD2 protein (p.Gln727Glu). In summary, the available evidence is currently insufficient to determine the role of this variant in disease. Therefore, it has been classified as a Variant of Uncertain Significance. Algorithms developed to predict the effect of missense changes on protein structure and function are either unavailable or do not agree on the potential impact of this missense change (SIFT: "Tolerated"; PolyPhen-2: "Probably Damaging"; Align-GVGD: "Class C0"). This variant has not been reported in the literature in individuals affected with AMPD2-related conditions. This variant is not present in population databases (gnomAD no frequency).

NM_001368809.2(AMPD2):c.2017C>G (p.Gln673Glu)

Gene: AMPD2 (adenosine monophosphate deaminase 2; plus strand). Cytogenetic location: 1p13.3.
Variant type: single nucleotide variant.
Coding change: c.2017C>G on transcript NM_001368809.2 (MANE Select); coding-DNA position 2017, C replaced by G.
Protein change: p.Gln673Glu; replaces glutamine 673 with glutamic acid.
Molecular consequence: missense variant.
Genome position (GRCh38, 1-based): chr1:109,630,266, C>G. VCF-style: chr1-109630266-C-G. GRCh37 (hg19) VCF-style: chr1-110172888-C-G.
Other names: c.2179C>G, p.Gln727Glu (NM_001257360.2); c.1825C>G, p.Gln609Glu (NM_001257361.2); c.1954C>G, p.Gln652Glu (NM_001308170.1); c.2017C>G, p.Gln673Glu (NM_004037.9); c.1936C>G, p.Gln646Glu (NM_139156.4); short protein forms Q609E, Q646E, Q652E, Q727E, Q673E.
Identifiers: ClinVar variation 2089119 (VCV002089119.4), dbSNP rs2524427775, ClinGen allele CA341562445.